The following is an entry in ClinVar:

NM_021098.3(CACNA1H):c.3920A>G (p.Asn1307Ser)

Gene: CACNA1H (calcium voltage-gated channel subunit alpha1 H; plus strand). Cytogenetic location: 16p13.3.
Variant type: single nucleotide variant.
Coding change: c.3920A>G on transcript NM_021098.3 (MANE Select); coding-DNA position 3920, A replaced by G.
Protein change: p.Asn1307Ser; replaces asparagine 1307 with serine.
Molecular consequence: missense variant.
Genome position (GRCh38, 1-based): chr16:1,210,444, A>G. VCF-style: chr16-1210444-A-G. GRCh37 (hg19) VCF-style: chr16-1260444-A-G.
Other names: c.3920A>G, p.Asn1307Ser (NM_001005407.2); short protein forms N1307S.
Identifiers: ClinVar variation 1518627 (VCV001518627.11), dbSNP rs767633946, ClinGen allele CA7801016.

ClinVar aggregate classification (germline): Uncertain significance. Review status: criteria provided, multiple submitters, no conflicts (2 of 4 stars). 3 submissions from 3 submitters: Uncertain significance (3). Last evaluated 2024-01-02.

Conditions:
Epilepsy, childhood absence, susceptibility to, 6. Identifiers: Orphanet 64280, MedGen C2749872, MONDO:0012763, OMIM 611942.
Hyperaldosteronism, familial, type IV (HALD4). Also called: FH IV; ALDOSTERONISM, PRIMARY, AND HYPERTENSION. Identifiers: Orphanet 642671, MedGen C4310756, MONDO:0014875, OMIM 617027.
Idiopathic generalized epilepsy. Also called: EIG; Generalised epilepsy. Identifiers: MedGen C0270850, MONDO:0005579, OMIM 600669.

Allele frequency attached by ClinVar (database versions not stated): gnomAD exomes below 0.00001; ExAC 0.00001; gnomAD 0.00001.
gnomAD v4.1: 7 of 1,610,914 alleles (0.00043%); highest among the groups gnomAD compares: South Asian, 0.0044%; no homozygotes.

Submissions (3):

Women's Health and Genetics/Laboratory Corporation of America, LabCorp
Classification: Uncertain significance. Last evaluated: 2024-01-02. Review status: criteria provided, single submitter. Criteria: LabCorp Variant Classification Summary - May 2015. Collection method: clinical testing. Allele origin: germline.
Comment: Variant summary: CACNA1H c.3920A>G (p.Asn1307Ser) results in a conservative amino acid change located in the ion transport domain (IPR005821) of the encoded protein sequence. Four of five in-silico tools predict a damaging effect of the variant on protein function. The variant allele was found at a frequency of 4e-06 in 247298 control chromosomes (gnomAD). The available data on variant occurrences in the general population are insufficient to allow any conclusion about variant significance. To our knowledge, no occurrence of c.3920A>G in individuals affected with Idiopathic Generalized Epilepsy and no experimental evidence demonstrating its impact on protein function have been reported. One submitter has cited a clinical-significance assessment for this variant to ClinVar after 2014 and has classified the variant as uncertain significance. Based on the evidence outlined above, the variant was classified as uncertain significance.

Labcorp Genetics (formerly Invitae), Labcorp
Classification: Uncertain significance for Idiopathic generalized epilepsy; Hyperaldosteronism, familial, type IV. Last evaluated: 2022-10-03. Review status: criteria provided, single submitter. Criteria: Invitae Variant Classification Sherloc (09022015). Collection method: clinical testing. Allele origin: germline.
Comment: This sequence change replaces asparagine, which is neutral and polar, with serine, which is neutral and polar, at codon 1307 of the CACNA1H protein (p.Asn1307Ser). The frequency data for this variant in the population databases is considered unreliable, as metrics indicate poor data quality at this position in the gnomAD database. This variant has not been reported in the literature in individuals affected with CACNA1H-related conditions. ClinVar contains an entry for this variant (Variation ID: 1518627). Advanced modeling of protein sequence and biophysical properties (such as structural, functional, and spatial information, amino acid conservation, physicochemical variation, residue mobility, and thermodynamic stability) performed at Invitae indicates that this missense variant is expected to disrupt CACNA1H protein function. Algorithms developed to predict the effect of sequence changes on RNA splicing suggest that this variant may create or strengthen a splice site. In summary, the available evidence is currently insufficient to determine the role of this variant in disease. Therefore, it has been classified as a Variant of Uncertain Significance.

Juno Genomics, Hangzhou Juno Genomics, Inc
Classification: Uncertain significance for Epilepsy, childhood absence, susceptibility to, 6; Hyperaldosteronism, familial, type IV. Review status: criteria provided, single submitter. Criteria: ACMG Guidelines, 2015. Collection method: clinical testing. Allele origin: germline.
Comment: Absent from controls (or at extremely low frequency if recessive) in Genome Aggregation Database.;Multiple lines of computational evidence support a deleterious effect on the gene or gene product.